The following is an entry in ClinVar:

ClinVar aggregate classification (germline): Conflicting classifications of pathogenicity. Review status: criteria provided, conflicting classifications (1 of 4 stars). 4 submissions from 4 submitters: Uncertain significance (3); Likely benign (1). Last evaluated 2023-03-23.

Conditions:
Hereditary breast ovarian cancer syndrome. Also called: Hereditary breast and/or ovarian cancer syndrome; BRCA1- and BRCA2-Associated Hereditary Breast and Ovarian Cancer; Breast and ovarian cancer; Hereditary breast and ovarian cancer; Hereditary breast and ovarian cancer syndrome; Hereditary breast and ovarian cancer syndrome (HBOC). Identifiers: Orphanet 145, MedGen C0677776, MeSH D061325, MONDO:0003582. Disease mechanism: loss of function.
Hereditary cancer-predisposing syndrome. Also called: Hereditary neoplastic syndrome; Tumor predisposition; Hereditary Cancer Syndrome; Neoplastic Syndromes, Hereditary. Identifiers: Orphanet 140162, MedGen C0027672, MeSH D009386, MONDO:0015356.

Submissions (4):

University of Washington Department of Laboratory Medicine, University of Washington
Classification: Likely benign for Hereditary cancer-predisposing syndrome. Last evaluated: 2023-03-23. Review status: criteria provided, single submitter. Criteria: Dines et al. (Genet Med. 2020). Collection method: curation. Allele origin: germline.
Comment: Missense variant in a coldspot region where missense variants are very unlikely to be pathogenic (PMID:31911673).

BRCA2 exon 11 coldspot. Reclassification based on statistical prior probability.

Labcorp Genetics (formerly Invitae), Labcorp
Classification: Uncertain significance for Hereditary breast ovarian cancer syndrome. Last evaluated: 2022-10-10. Review status: criteria provided, single submitter. Criteria: Invitae Variant Classification Sherloc (09022015). Collection method: clinical testing. Allele origin: germline.
Comment: This variant is not present in population databases (gnomAD no frequency). In summary, the available evidence is currently insufficient to determine the role of this variant in disease. Therefore, it has been classified as a Variant of Uncertain Significance. Advanced modeling of protein sequence and biophysical properties (such as structural, functional, and spatial information, amino acid conservation, physicochemical variation, residue mobility, and thermodynamic stability) performed at Invitae indicates that this missense variant is not expected to disrupt BRCA2 protein function. ClinVar contains an entry for this variant (Variation ID: 491278). This variant has not been reported in the literature in individuals affected with BRCA2-related conditions. This sequence change replaces valine, which is neutral and non-polar, with alanine, which is neutral and non-polar, at codon 1497 of the BRCA2 protein (p.Val1497Ala).

Ambry Genetics
Classification: Uncertain significance for Hereditary cancer-predisposing syndrome. Last evaluated: 2022-04-26. Review status: criteria provided, single submitter. Criteria: Ambry Variant Classification Scheme 2023. Collection method: clinical testing. Allele origin: germline.
Comment: The p.V1497A variant (also known as c.4490T>C), located in coding exon 10 of the BRCA2 gene, results from a T to C substitution at nucleotide position 4490. The valine at codon 1497 is replaced by alanine, an amino acid with similar properties. This amino acid position is not well conserved in available vertebrate species. In addition, this alteration is predicted to be tolerated by in silico analysis. Since supporting evidence is limited at this time, the clinical significance of this alteration remains unclear.

Color Diagnostics, LLC DBA Color Health
Classification: Uncertain significance for Hereditary cancer-predisposing syndrome. Last evaluated: 2019-05-08. Review status: criteria provided, single submitter. Criteria: ACMG Guidelines, 2015. Collection method: clinical testing. Allele origin: germline.

NM_000059.4(BRCA2):c.4490T>C (p.Val1497Ala)

Gene: BRCA2 (BRCA2 DNA repair associated; plus strand). Cytogenetic location: 13q13.1.
Variant type: single nucleotide variant.
Coding change: c.4490T>C on transcript NM_000059.4 (MANE Select); coding-DNA position 4490, T replaced by C.
Protein change: p.Val1497Ala; replaces valine 1497 with alanine.
Molecular consequence: missense variant.
Genome position (GRCh38, 1-based): chr13:32,338,845, T>C. VCF-style: chr13-32338845-T-C. GRCh37 (hg19) VCF-style: chr13-32912982-T-C.
Other names: short protein forms V1497A.
Identifiers: ClinVar variation 491278 (VCV000491278.13), dbSNP rs80358681, ClinGen allele CA387781541.